The following is an entry in ClinVar:

ClinVar aggregate classification (germline): Uncertain significance (1 of 4 stars; one submission).

Conditions:
Infantile-onset ascending hereditary spastic paralysis (IAHSP). Also called: Infantile-Onset Ascending Hereditary Spastic Paralysis (IAHSP); Autosomal Recessive Juvenile Amyotrophic Lateral Sclerosis. Identifiers: Orphanet 293168, MedGen C2931441, MONDO:0011797, OMIM 607225. Disease mechanism: loss of function.

Allele frequency attached by ClinVar (database versions not stated): gnomAD 0.00002; TOPMed 0.00002.
gnomAD v4.1: 16 of 1,614,000 alleles (0.00099%); highest among the groups gnomAD compares: South Asian, 0.0088%; no homozygotes.

Submission:

Labcorp Genetics (formerly Invitae), Labcorp
Classification: Uncertain significance for Infantile-onset ascending hereditary spastic paralysis. Last evaluated: 2022-07-27. Review status: criteria provided, single submitter. Criteria: Invitae Variant Classification Sherloc (09022015). Collection method: clinical testing. Allele origin: germline.
Comment: This sequence change replaces valine, which is neutral and non-polar, with isoleucine, which is neutral and non-polar, at codon 1401 of the ALS2 protein (p.Val1401Ile). This variant is present in population databases (rs762372365, gnomAD 0.01%). This variant has not been reported in the literature in individuals affected with ALS2-related conditions. Algorithms developed to predict the effect of missense changes on protein structure and function (SIFT, PolyPhen-2, Align-GVGD) all suggest that this variant is likely to be disruptive. In summary, the available evidence is currently insufficient to determine the role of this variant in disease. Therefore, it has been classified as a Variant of Uncertain Significance.

NM_020919.4(ALS2):c.4201G>A (p.Val1401Ile)

Gene: ALS2 (alsin Rho guanine nucleotide exchange factor ALS2; minus strand). Cytogenetic location: 2q33.1.
Variant type: single nucleotide variant.
Coding change: c.4201G>A on transcript NM_020919.4 (MANE Select); coding-DNA position 4201, G replaced by A.
Protein change: p.Val1401Ile; replaces valine 1401 with isoleucine.
Molecular consequence: missense variant.
Genome position (GRCh38, 1-based): chr2:201,709,960, C>T on the plus strand (G>A on the coding strand, the complement: ALS2 is on the minus strand). VCF-style: chr2-201709960-C-T. GRCh37 (hg19) VCF-style: chr2-202574683-C-T.
Other names: c.4198G>A, p.Val1400Ile (NM_001410975.1); short protein forms V1401I, V1400I.
Identifiers: ClinVar variation 2168304 (VCV002168304.1), dbSNP rs762372365, ClinGen allele CA2057638.